The following is an entry in ClinVar:

NM_001035.3(RYR2):c.11092-3C>A

Gene: RYR2 (ryanodine receptor 2; plus strand). Cytogenetic location: 1q43.
Variant type: single nucleotide variant.
Coding change: c.11092-3C>A on transcript NM_001035.3 (MANE Select); 3 bases into the intron before coding-DNA position 11092, C replaced by A.
Molecular consequence: intron variant.
Genome position (GRCh38, 1-based): chr1:237,742,293, C>A. VCF-style: chr1-237742293-C-A. GRCh37 (hg19) VCF-style: chr1-237905593-C-A.
Identifiers: ClinVar variation 922890 (VCV000922890.7), dbSNP rs1349755343, ClinGen allele CA529548626.

ClinVar aggregate classification (germline): Uncertain significance. Review status: criteria provided, multiple submitters, no conflicts (2 of 4 stars). 3 submissions from 3 submitters: Uncertain significance (3). Last evaluated 2025-09-08.

Conditions:
Catecholaminergic polymorphic ventricular tachycardia (CVPT). Also called: Catecholamine-induced polymorphic ventricular tachycardia. Identifiers: Orphanet 3286, MedGen C5574922, MONDO:0017990.
Cardiomyopathy (CMYO). Also called: Cardiomyopathies. Identifiers: Orphanet 167848, MedGen C0878544, MONDO:0004994, HP:0001638. Inheritance: Various modes of inheritance.
Catecholaminergic polymorphic ventricular tachycardia 1. Also called: VENTRICULAR TACHYCARDIA, CATECHOLAMINERGIC POLYMORPHIC, 1, WITH OR WITHOUT ATRIAL DYSFUNCTION AND/OR DILATED CARDIOMYOPATHY; RYR2-Related Catecholaminergic Polymorphic Ventricular Tachycardia; VENTRICULAR TACHYCARDIA, STRESS-INDUCED POLYMORPHIC 1. Identifiers: Orphanet 3286, MedGen C1631597, MONDO:0011484, OMIM 604772.

Allele frequency attached by ClinVar (database versions not stated): gnomAD exomes 0.00001.

Submissions (3):

Labcorp Genetics (formerly Invitae), Labcorp
Classification: Uncertain significance for Catecholaminergic polymorphic ventricular tachycardia 1. Last evaluated: 2025-09-08. Review status: criteria provided, single submitter. Criteria: Invitae Variant Classification Sherloc (09022015). Collection method: clinical testing. Allele origin: germline.
Comment: This sequence change falls in intron 79 of the RYR2 gene. It does not directly change the encoded amino acid sequence of the RYR2 protein. It affects a nucleotide within the consensus splice site. The frequency data for this variant in the population databases is considered unreliable, as metrics indicate poor data quality at this position in the gnomAD database. This variant has not been reported in the literature in individuals affected with RYR2-related conditions. ClinVar contains an entry for this variant (Variation ID: 922890). Variants that disrupt the consensus splice site are a relatively common cause of aberrant splicing (PMID: 17576681, 9536098). Algorithms developed to predict the effect of sequence changes on RNA splicing suggest that this variant is not likely to affect RNA splicing. In summary, the available evidence is currently insufficient to determine the role of this variant in disease. Therefore, it has been classified as a Variant of Uncertain Significance.

Color Diagnostics, LLC DBA Color Health
Classification: Uncertain significance for Cardiomyopathy. Last evaluated: 2025-07-25. Review status: criteria provided, single submitter. Criteria: ACMG Guidelines, 2015. Collection method: clinical testing. Allele origin: germline.
Comment: This variant causes a C to A nucleotide substitution at the -3 position of intron 79 of the RYR2 gene. To our knowledge, functional studies have not been reported for this variant. This variant has not been reported in individuals affected with RYR2-related disorders in the literature. This variant has been identified in 1/152238 chromosomes in the general population by the Genome Aggregation Database (gnomAD). The available evidence is insufficient to determine the role of this variant in disease conclusively. Therefore, this variant is classified as a Variant of Uncertain Significance.

All of Us Research Program, National Institutes of Health
Classification: Uncertain significance for Catecholaminergic polymorphic ventricular tachycardia. Last evaluated: 2023-05-04. Review status: criteria provided, single submitter. Criteria: ACMG Guidelines, 2015. Collection method: clinical testing. Allele origin: germline. Inheritance: Autosomal dominant inheritance. Observed: 1 variant allele, 1 heterozygote.
Comment: This variant causes a C to A nucleotide substitution at the -3 position of intron 79 of the RYR2 gene. Splice site prediction tools predict that this variant may have a significant impact on RNA splicing. To our knowledge, functional studies have not been reported for this variant. This variant has not been reported in individuals affected with cardiovascular disorders in the literature. This variant has not been identified in the general population by the Genome Aggregation Database (gnomAD). The available evidence is insufficient to determine the role of this variant in disease conclusively. Therefore, this variant is classified as a Variant of Uncertain Significance.

This study involves interpretation of variants in research participants for the purpose of population health screening. Participant phenotype was not available at the time of variant classification. Additional details can be found in publication PMID: 35346344, PMCID: PMC8962531

Literature cited by the submitters: PubMed 17576681 (cited by Labcorp Genetics (formerly Invitae), Labcorp); PubMed 9536098 (cited by Labcorp Genetics (formerly Invitae), Labcorp).